The following is an entry in ClinVar:

ClinVar aggregate classification (germline): Uncertain significance (1 of 4 stars; one submission).

Conditions:
Cardiovascular phenotype. Identifiers: MedGen CN230736.

Allele frequency attached by ClinVar (database versions not stated): gnomAD exomes below 0.00001; ExAC 0.00002; gnomAD 0.00005; TOPMed 0.00005.
gnomAD v4.1: 10 of 1,613,336 alleles (0.00062%); highest among the groups gnomAD compares: African/African-American, 0.012%; no homozygotes.

Submission:

Ambry Genetics
Classification: Uncertain significance for Cardiovascular phenotype. Last evaluated: 2019-10-17. Review status: criteria provided, single submitter. Criteria: Ambry Variant Classification Scheme 2023. Collection method: clinical testing. Allele origin: germline.
Comment: The p.A14838T variant (also known as c.44512G>A), located in coding exon 153 of the TTN gene, results from a G to A substitution at nucleotide position 44512. The alanine at codon 14838 is replaced by threonine, an amino acid with similar properties. This amino acid position is highly conserved in available vertebrate species. In addition, the in silico prediction for this alteration is inconclusive. Since supporting evidence is limited at this time, the clinical significance of this alteration remains unclear.

NM_001267550.2(TTN):c.71707G>A (p.Ala23903Thr)

Genes: TTN (titin; minus strand), TTN-AS1 (TTN antisense RNA 1; plus strand). Cytogenetic location: 2q31.2.
Variant type: single nucleotide variant.
Coding change: c.71707G>A on transcript NM_001267550.2 (MANE Select); coding-DNA position 71707, G replaced by A.
Protein change: p.Ala23903Thr; replaces alanine 23903 with threonine.
Molecular consequence: missense variant.
Genome position (GRCh38, 1-based): chr2:178,574,425, C>T on the plus strand (G>A on the coding strand, the complement: TTN is on the minus strand). VCF-style: chr2-178574425-C-T. GRCh37 (hg19) VCF-style: chr2-179439152-C-T.
Other names: c.66784G>A, p.Ala22262Thr (NM_001256850.1); c.44512G>A, p.Ala14838Thr (NM_003319.4); c.64003G>A, p.Ala21335Thr (NM_133378.4); c.44887G>A, p.Ala14963Thr (NM_133432.3); c.45088G>A, p.Ala15030Thr (NM_133437.4); short protein forms A14963T, A21335T, A14838T, A23903T, A15030T, A22262T.
Identifiers: ClinVar variation 1740710 (VCV001740710.2), dbSNP rs767300259, ClinGen allele CA1990598.
Genomic context (GRCh38, chr2:178,574,425, plus strand): 5'-CCAGAGCCAACATAGGTTCTGATGGCTTGCTTGGCTTACTTTTGCCTGCCATGTTTTCTG[C>T]AATCACCCGGAACTCATAAGCAATACCATCTGTAAGTCCACTTGATTTGAAAATGTTGCC-3'
Protein context (NP_001254479.2, residues 23893-23913): DGIAYEFRVI[Ala23903Thr]ENMAGKSKPS